The following is an entry in ClinVar:

ClinVar aggregate classification (germline): Uncertain significance. Review status: criteria provided, multiple submitters, no conflicts (2 of 4 stars). 3 submissions from 3 submitters: Uncertain significance (3). Last evaluated 2025-07-09.

Conditions:
Wilson disease (WND). Also called: Wilson's disease. Identifiers: Orphanet 905, MedGen C0019202, MONDO:0010200, OMIM 277900. Disease mechanism: loss of function.

Allele frequency attached by ClinVar (database versions not stated): TOPMed 0.00002; ExAC 0.00003; gnomAD exomes 0.00003; ESP Exome Variant Server 0.00008.
gnomAD v4.1: 42 of 1,614,042 alleles (0.0026%); highest among the groups gnomAD compares: Non-Finnish European, 0.0034%; no homozygotes.

Submissions (3):

Color Diagnostics, LLC DBA Color Health
Classification: Uncertain significance for Wilson disease. Last evaluated: 2025-07-09. Review status: criteria provided, single submitter. Criteria: ACMG Guidelines, 2015. Collection method: clinical testing. Allele origin: germline.
Comment: This missense variant replaces isoleucine with threonine at codon 222 of the ATP7B protein. Computational prediction suggests that this variant may not impact protein structure and function. To our knowledge, functional studies have not been reported for this variant. This variant has not been reported in individuals affected with ATP7B-related disorders in the literature. This variant has been identified in 7/249478 chromosomes in the general population by the Genome Aggregation Database (gnomAD). The available evidence is insufficient to determine the role of this variant in disease conclusively. Therefore, this variant is classified as a Variant of Uncertain Significance.

Labcorp Genetics (formerly Invitae), Labcorp
Classification: Uncertain significance for Wilson disease. Last evaluated: 2022-04-10. Review status: criteria provided, single submitter. Criteria: Invitae Variant Classification Sherloc (09022015). Collection method: clinical testing. Allele origin: germline.
Comment: This sequence change replaces isoleucine, which is neutral and non-polar, with threonine, which is neutral and polar, at codon 222 of the ATP7B protein (p.Ile222Thr). This variant is present in population databases (rs373476328, gnomAD 0.005%). This variant has not been reported in the literature in individuals affected with ATP7B-related conditions. Advanced modeling of protein sequence and biophysical properties (such as structural, functional, and spatial information, amino acid conservation, physicochemical variation, residue mobility, and thermodynamic stability) performed at Invitae indicates that this missense variant is not expected to disrupt ATP7B protein function. In summary, the available evidence is currently insufficient to determine the role of this variant in disease. Therefore, it has been classified as a Variant of Uncertain Significance.

Fulgent Genetics
Classification: Uncertain significance for Wilson disease. Last evaluated: 2021-12-25. Review status: criteria provided, single submitter. Criteria: ACMG Guidelines, 2015. Collection method: clinical testing. Allele origin: unknown.

NM_000053.4(ATP7B):c.665T>C (p.Ile222Thr)

Gene: ATP7B (ATPase copper transporting beta; minus strand). Cytogenetic location: 13q14.3.
Variant type: single nucleotide variant.
Coding change: c.665T>C on transcript NM_000053.4 (MANE Select); coding-DNA position 665, T replaced by C.
Protein change: p.Ile222Thr; replaces isoleucine 222 with threonine.
Molecular consequence: missense variant.
Genome position (GRCh38, 1-based): chr13:51,974,555, A>G on the plus strand (T>C on the coding strand, the complement: ATP7B is on the minus strand). VCF-style: chr13-51974555-A-G. GRCh37 (hg19) VCF-style: chr13-52548691-A-G.
Other names: c.665T>C, p.Ile222Thr (NM_001005918.3, NM_001243182.2, NM_001330578.2 and 1 more transcripts); short protein forms I222T.
Identifiers: ClinVar variation 1379420 (VCV001379420.7), dbSNP rs373476328, ClinGen allele CA6989519.